The following is an entry in ClinVar:

NM_001195129.2(PRSS56):c.497G>T (p.Gly166Val)

Gene: PRSS56 (serine protease 56; plus strand). Cytogenetic location: 2q37.1.
Variant type: single nucleotide variant.
Coding change: c.497G>T on transcript NM_001195129.2 (MANE Select); coding-DNA position 497, G replaced by T.
Protein change: p.Gly166Val; replaces glycine 166 with valine.
Molecular consequence: missense variant.
Genome position (GRCh38, 1-based): chr2:232,522,565, G>T. VCF-style: chr2-232522565-G-T. GRCh37 (hg19) VCF-style: chr2-233387275-G-T.
Other names: c.497G>T, p.Gly166Val (NM_001369848.1); short protein forms G166V.
Identifiers: ClinVar variation 1422211 (VCV001422211.6), dbSNP rs2106201140, ClinGen allele CA350985864.

ClinVar aggregate classification (germline): Uncertain significance (1 of 4 stars; one submission).

Conditions:
Isolated microphthalmia 6. Also called: MICROPHTHALMIA, POSTERIOR NONSYNDROMIC. Identifiers: Orphanet 2542, MedGen C3150757, MONDO:0013293, OMIM 613517.

Submission:

Labcorp Genetics (formerly Invitae), Labcorp
Classification: Uncertain significance for Isolated microphthalmia 6. Last evaluated: 2023-03-09. Review status: criteria provided, single submitter. Criteria: Invitae Variant Classification Sherloc (09022015). Collection method: clinical testing. Allele origin: germline.
Comment: This sequence change replaces glycine, which is neutral and non-polar, with valine, which is neutral and non-polar, at codon 166 of the PRSS56 protein (p.Gly166Val). This variant is not present in population databases (gnomAD no frequency). This variant has not been reported in the literature in individuals affected with PRSS56-related conditions. ClinVar contains an entry for this variant (Variation ID: 1422211). Experimental studies and prediction algorithms are not available or were not evaluated, and the functional significance of this variant is currently unknown. In summary, the available evidence is currently insufficient to determine the role of this variant in disease. Therefore, it has been classified as a Variant of Uncertain Significance.